The following is an entry in ClinVar:

NM_001369.3(DNAH5):c.9681A>G (p.Lys3227=)

Gene: DNAH5 (dynein axonemal heavy chain 5; minus strand). Cytogenetic location: 5p15.2.
Variant type: single nucleotide variant.
Coding change: c.9681A>G on transcript NM_001369.3 (MANE Select); coding-DNA position 9681, A replaced by G.
Protein change: p.Lys3227=; no amino-acid change (lysine 3227 retained).
Molecular consequence: synonymous variant.
Genome position (GRCh38, 1-based): chr5:13,769,540, T>C on the plus strand (A>G on the coding strand, the complement: DNAH5 is on the minus strand). VCF-style: chr5-13769540-T-C. GRCh37 (hg19) VCF-style: chr5-13769649-T-C.
Identifiers: ClinVar variation 258070 (VCV000258070.46), dbSNP rs138639741, ClinGen allele CA3202471.
Genomic context (GRCh38, chr5:13,769,540, plus strand): 5'-CATGTGTAAATGCCCACCCACCATGTCGGCTTTATCGTTGGCCACTTGTAGCTCCTTTTC[T>C]TTCGCTTCCAGTTCTTTACTCAAGGCTGCAACAGACTCTGAAGCTTCTTTGAGCTTTTCC-3'
Protein context (NP_001360.1, residues 3217-3237): VAALSKELEA[Lys3227=]EKELQVANDK

ClinVar aggregate classification (germline): Conflicting classifications of pathogenicity. Review status: criteria provided, conflicting classifications (1 of 4 stars). 8 submissions from 8 submitters: Uncertain significance (1); Benign (2); Likely benign (5). Last evaluated 2026-07-01.

Conditions:
Primary ciliary dyskinesia. Also called: Ciliary dyskinesia. Identifiers: Orphanet 244, MedGen C0008780, MONDO:0016575, HP:0012265.
Primary ciliary dyskinesia 3. Identifiers: Orphanet 244, MedGen C1837618, MONDO:0012085, OMIM 608644.

Allele frequency attached by ClinVar (database versions not stated): gnomAD exomes 0.00027 and 0.00069; ExAC 0.00077; ESP Exome Variant Server 0.00238; gnomAD 0.00241 and 0.00252; TOPMed 0.00269; 1000 Genomes Project 0.00359; 1000 Genomes Project 30x 0.00390.
gnomAD v4.1: 780 of 1,614,106 alleles (0.048%); highest among the groups gnomAD compares: African/African-American, 0.9%; 6 homozygotes.

Submissions (8):

CeGaT Center for Human Genetics Tuebingen
Classification: Likely benign. Last evaluated: 2026-07-01. Review status: criteria provided, single submitter. Criteria: CeGaT Center For Human Genetics Tuebingen Variant Classification Criteria Version 2. Collection method: clinical testing. Allele origin: germline. Affected: yes. Observed: 2 variant alleles.
Comment: DNAH5: BP4, BP7

Labcorp Genetics (formerly Invitae), Labcorp
Classification: Benign for Primary ciliary dyskinesia. Last evaluated: 2026-01-28. Review status: criteria provided, single submitter. Criteria: Invitae Variant Classification Sherloc (09022015). Collection method: clinical testing. Allele origin: germline.

Blueprint Genetics
Classification: Likely benign. Last evaluated: 2024-11-12. Review status: criteria provided, single submitter. Criteria: ACMG Guidelines, 2015. Collection method: clinical testing. Allele origin: germline.

ARUP Laboratories, Molecular Genetics and Genomics, ARUP Laboratories
Classification: Likely benign for Primary ciliary dyskinesia 3. Last evaluated: 2024-06-10. Review status: criteria provided, single submitter. Criteria: ARUP Molecular Germline Variant Investigation Process 2024. Collection method: clinical testing. Allele origin: germline.

GeneDx
Classification: Likely benign. Last evaluated: 2021-02-03. Review status: criteria provided, single submitter. Criteria: GeneDx Variant Classification Process June 2021. Collection method: clinical testing. Allele origin: germline. Affected: yes.

Illumina Laboratory Services, Illumina
Classification: Uncertain significance for Primary ciliary dyskinesia 3. Last evaluated: 2018-01-13. Review status: criteria provided, single submitter. Criteria: ICSL Variant Classification Criteria 13 December 2019. Collection method: clinical testing. Allele origin: germline.

Ambry Genetics
Classification: Benign for Primary ciliary dyskinesia. Last evaluated: 2014-09-23. Review status: criteria provided, single submitter. Criteria: Ambry Variant Classification Scheme 2023. Collection method: clinical testing. Allele origin: germline.

PreventionGenetics, part of Exact Sciences
Classification: Likely benign. Review status: criteria provided, single submitter. Criteria: ACMG Guidelines, 2015. Collection method: clinical testing. Allele origin: germline.